The following is an entry in ClinVar:

NM_000525.4(KCNJ11):c.896A>G (p.Gln299Arg)

Gene: KCNJ11 (potassium inwardly rectifying channel subfamily J member 11; minus strand). Cytogenetic location: 11p15.1.
Variant type: single nucleotide variant.
Coding change: c.896A>G on transcript NM_000525.4 (MANE Select); coding-DNA position 896, A replaced by G.
Protein change: p.Gln299Arg; replaces glutamine 299 with arginine.
Molecular consequence: missense variant.
Genome position (GRCh38, 1-based): chr11:17,387,196, T>C on the plus strand (A>G on the coding strand, the complement: KCNJ11 is on the minus strand). VCF-style: chr11-17387196-T-C. GRCh37 (hg19) VCF-style: chr11-17408743-T-C.
Other names: c.635A>G, p.Gln212Arg (NM_001166290.2, NM_001377296.1, NM_001377297.1); short protein forms Q212R, Q299R.
Identifiers: ClinVar variation 3907191 (VCV003907191.1).
Genomic context (GRCh38, chr11:17,387,196, plus strand): 5'-ACAATGGGCACAAAGCGCTGGCCCCACAGGATCTCATCGGCCAGGTAGGAGGTGCGGGCC[T>C]GGGTGGTGATGCCCGTGGTTTCCACCACGCCTTCCAGGATGACGATGATCTCGAGGTCCT-3'
Protein context (NP_000516.3, residues 289-309): GVVETTGITT[Gln299Arg]ARTSYLADEI

ClinVar aggregate classification (germline): Uncertain significance (1 of 4 stars; one submission).

Submission:

Women's Health and Genetics/Laboratory Corporation of America, LabCorp
Classification: Uncertain significance. Last evaluated: 2025-06-11. Review status: criteria provided, single submitter. Criteria: LabCorp Variant Classification Summary - May 2015. Collection method: clinical testing. Allele origin: germline.
Comment: Variant summary: KCNJ11 c.896A>G (p.Gln299Arg) results in a conservative amino acid change in the encoded protein sequence. Algorithms developed to predict the effect of missense changes on protein structure and function are either unavailable or do not agree on the potential impact of this missense change. The variant was absent in 251460 control chromosomes (gnomAD). c.896A>G has been observed in at least one homozygous individual affected with Congenital Hyperinsulinism (Salisbury_2015, Han_2016). These data indicate that the variant may be associated with disease. To our knowledge, no experimental evidence demonstrating an impact on protein function has been reported. The following publications have been ascertained in the context of this evaluation (PMID: 27334808, 25931474). No submitters have cited clinical-significance assessments for this variant to ClinVar. Based on the evidence outlined above, the variant was classified as VUS-possibly pathogenic.

Literature cited by the submitters: PubMed 25931474; PubMed 27334808.